The following is an entry in ClinVar:

NM_001005242.3(PKP2):c.564C>T (p.Leu188=)

Gene: PKP2 (plakophilin 2; minus strand). Cytogenetic location: 12p11.21.
Variant type: single nucleotide variant.
Coding change: c.564C>T on transcript NM_001005242.3 (MANE Select); coding-DNA position 564, C replaced by T.
Protein change: p.Leu188=; no amino-acid change (leucine 188 retained).
Molecular consequence: synonymous variant.
Genome position (GRCh38, 1-based): chr12:32,878,316, G>A on the plus strand (C>T on the coding strand, the complement: PKP2 is on the minus strand). VCF-style: chr12-32878316-G-A. GRCh37 (hg19) VCF-style: chr12-33031250-G-A.
Other names: c.564C>T, p.Leu188= (NM_001407155.1, NM_001407156.1, NM_001407157.1 and 2 more transcripts); c.237C>T, p.Leu79= (NM_001407158.1, NM_001407159.1, NM_001407160.1 and 1 more transcripts).
Identifiers: ClinVar variation 3069661 (VCV003069661.2), dbSNP rs1266219126, ClinGen allele CA479387693.

ClinVar aggregate classification (germline): Likely benign. Review status: criteria provided, multiple submitters, no conflicts (2 of 4 stars). 2 submissions from 2 submitters: Likely benign (2). Last evaluated 2026-08-16.

Conditions:
Arrhythmogenic right ventricular cardiomyopathy (ARVD). Also called: Cardiomyopathy, ARVC; Arrhythmogenic right ventricular dysplasia; Arrhythmogenic cardiomyopathy; Arrhythmogenic Right Ventricular Cardiomyopathy (ARVC). Identifiers: Orphanet 247, MedGen C0349788, MeSH D019571, MONDO:0016587. Disease mechanism: loss of function. Inheritance: Various modes of inheritance.
Cardiovascular phenotype. Identifiers: MedGen CN230736.

Allele frequency attached by ClinVar (database versions not stated): TOPMed 0.00001.

Submissions (2):

Ambry Genetics
Classification: Likely benign for Cardiovascular phenotype. Last evaluated: 2026-08-16. Review status: criteria provided, single submitter. Criteria: Ambry Variant Classification Scheme 2023. Collection method: clinical testing. Allele origin: germline.

All of Us Research Program, National Institutes of Health
Classification: Likely benign for Arrhythmogenic right ventricular cardiomyopathy. Last evaluated: 2024-02-05. Review status: criteria provided, single submitter. Criteria: ACMG Guidelines, 2015. Collection method: clinical testing. Allele origin: germline. Inheritance: Autosomal dominant inheritance. Observed: 2 variant alleles, 2 heterozygotes.
Comment: This variant is located in the PKP2 protein. To our knowledge, functional studies have not been reported for this variant. This variant has not been reported in individuals affected with PKP2-related disorders in the literature. This variant has been identified in 1/250606 chromosomes in the general population by the Genome Aggregation Database (gnomAD). The available evidence is insufficient to determine the role of this variant in disease conclusively. Therefore, this variant is classified as a Variant of Uncertain Significance.

This study involves interpretation of variants in research participants for the purpose of population health screening. Participant phenotype was not available at the time of variant classification. Additional details can be found in publication PMID: 35346344, PMCID: PMC8962531